The following is an entry in ClinVar:

NM_001903.5(CTNNA1):c.2627dup (p.Asp876fs)

Gene: CTNNA1 (catenin alpha 1; plus strand). Cytogenetic location: 5q31.2.
Variant type: Duplication.
Coding change: c.2627dup on transcript NM_001903.5 (MANE Select); coding-DNA position 2627, one base duplicated (A; older notation c.2627dupA).
Protein change: p.Asp876fs; shifts the reading frame from aspartic acid 876.
Molecular consequence: frameshift variant. On other transcripts: 3 prime UTR variant (5).
Genome position (GRCh38, 1-based): chr5:138,933,995, A duplicated. VCF-style (leftmost placement, unchanged base first): chr5-138933994-G-GA. GRCh37 (hg19) VCF-style: chr5-138269683-G-GA.
Other names: c.*172dup (NM_001290307.3, NM_001324002.1, NM_001324003.1 and 2 more transcripts); c.2318dup, p.Asp773fs (NM_001290309.3); c.2258dup, p.Asp753fs (NM_001290310.3); c.1517dup, p.Asp506fs (NM_001290312.1, NM_001323987.1, NM_001323988.1 and 12 more transcripts); c.2627dup, p.Asp876fs (NM_001323982.2, NM_001323983.1, NM_001323984.2); c.2600dup, p.Asp867fs (NM_001323985.2); c.2534dup, p.Asp845fs (NM_001323986.2); c.1382dup, p.Asp461fs (NM_001324001.1); and 3 more; short protein forms D425fs, D506fs, D876fs, D393fs, D475fs, D753fs, D773fs, D461fs.
Identifiers: ClinVar variation 2029165 (VCV002029165.4), dbSNP rs2533955213, ClinGen allele CA2580072900.

ClinVar aggregate classification (germline): Uncertain significance (1 of 4 stars; one submission).

Submission:

Labcorp Genetics (formerly Invitae), Labcorp
Classification: Uncertain significance. Last evaluated: 2022-09-06. Review status: criteria provided, single submitter. Criteria: Invitae Variant Classification Sherloc (09022015). Collection method: clinical testing. Allele origin: germline.
Comment: This variant is not present in population databases (gnomAD no frequency). This variant has not been reported in the literature in individuals affected with CTNNA1-related conditions. Experimental studies and prediction algorithms are not available or were not evaluated, and the functional significance of this variant is currently unknown. In summary, the available evidence is currently insufficient to determine the role of this variant in disease. Therefore, it has been classified as a Variant of Uncertain Significance. This sequence change creates a premature translational stop signal (p.Asp876Glufs*2) in the CTNNA1 gene. While this is not anticipated to result in nonsense mediated decay, it is expected to disrupt the last 31 amino acid(s) of the CTNNA1 protein.